The following is an entry in ClinVar:

ClinVar aggregate classification (germline): Pathogenic/Likely pathogenic. Review status: criteria provided, multiple submitters, no conflicts (2 of 4 stars). 9 submissions from 9 submitters: Pathogenic (6); Likely pathogenic (2). 1 of the submissions does not count toward it. Last evaluated 2026-05-03.

Conditions:
Familial intrahepatic cholestasis. Identifiers: Orphanet 284385, MedGen CN296401, MONDO:0017290.
ATP8B1-related disorder. Also called: ATP8B1-related condition; ATP8B1-related disorders.
Progressive familial intrahepatic cholestasis type 1. Also called: BYLER DISEASE; Byler's disease; Severe ATP8B1 Deficiency (Progressive Familial Intrahepatic Cholestasis Type 1 [PFIC1]). Identifiers: Orphanet 79306, MedGen C4551898, MONDO:0008892, OMIM 211600.
Benign recurrent intrahepatic cholestasis type 1. Also called: Mild-to-Moderate ATP8B1 Deficiency (Benign Recurrent Intrahepatic Cholestasis 1 [BRIC1]); SUMMERSKILL SYNDROME. Identifiers: Orphanet 65682, Orphanet 99960, MedGen C4551899, MONDO:0009469, OMIM 243300.

Allele frequency attached by ClinVar (database versions not stated): TOPMed below 0.00001; ExAC 0.00001; gnomAD exomes 0.00001.
gnomAD v4.1: 8 of 1,595,424 alleles (0.0005%); highest among the groups gnomAD compares: Non-Finnish European, 0.00068%; no homozygotes.

Submissions (9):

PreventionGenetics, part of Exact Sciences
Classification: Pathogenic for ATP8B1-related condition. Last evaluated: 2026-05-03. Review status: criteria provided, single submitter. Criteria: ACMG Guidelines, 2015. Collection method: clinical testing. Allele origin: germline.
Comment: The ATP8B1 c.2097+2T>C variant is predicted to disrupt the GT donor site and interfere with normal splicing. This variant has been reported in individuals affected with autosomal recessive familial progressive intrahepatic cholestasis (Bull et al 1998. PubMed ID: 9500542; van der Woerd WL et al 2015. PubMed ID: 25421123; van Wessel DBE et al 2021. PubMed ID: 33666275; Hertel PM et al 2021. PubMed ID: 34016879). This variant is reported in 0.0027% of alleles in individuals of European (Non-Finnish) descent in gnomAD. Variants that disrupt the consensus splice donor site in ATP8B1 are expected to be pathogenic. This variant is interpreted as pathogenic.

Genomenon, Inc
Classification: Pathogenic for Familial intrahepatic cholestasis. Last evaluated: 2026-04-14. Review status: criteria provided, single submitter. Criteria: Genomenon Sequence Variant Interpretation Standards - Updated. Collection method: curation. Allele origin: germline. Affected: yes.
Comment: ATP8B1 c.2097+2T>C is a canonical splice variant affecting the donor splice site of intron 18. This variant has been observed in at least one proband with features of ATP8B1-deficiency (PMID:39768432;37361697;34283821;31160058;29654655;28045770;9500542;15239083;20232290;26678486). The variant was found to segregate with disease in at least one affected family (PMID:34283821). At least one splicing study demonstrated this variant results in aberrant splicing (PMID:9500542;25421123). It is absent or not present at a significant frequency in gnomAD. In conclusion, we classify ATP8B1 c.2097+2T>C as a pathogenic variant.

Labcorp Genetics (formerly Invitae), Labcorp
Classification: Pathogenic. Last evaluated: 2025-12-19. Review status: criteria provided, single submitter. Criteria: Invitae Variant Classification Sherloc (09022015). Collection method: clinical testing. Allele origin: germline.
Comment: This sequence change affects a donor splice site in intron 18 of the ATP8B1 gene. RNA analysis indicates that disruption of this splice site induces altered splicing and likely results in a shortened protein product. This variant is present in population databases (rs387906381, gnomAD 0.003%). Disruption of this splice site has been observed in individual(s) with progressive familial intrahepatic cholestasis (PMID: 9500542, 26678486, 33666275, 34016879, 34283821). In at least one individual the data is consistent with being in trans (on the opposite chromosome) from a pathogenic variant. ClinVar contains an entry for this variant (Variation ID: 7265). Studies have shown that disruption of this splice site results in skipping of exon 18, but is expected to preserve the integrity of the reading-frame (PMID: 25421123). For these reasons, this variant has been classified as Pathogenic.

Department of Human Genetics, Hannover Medical School
Classification: Likely pathogenic for Progressive familial intrahepatic cholestasis type 1. Last evaluated: 2024-07-30. Review status: criteria provided, single submitter. Criteria: ACMG Guidelines, 2015. Collection method: clinical testing. Allele origin: germline. Affected: yes.

Baylor Genetics
Classification: Pathogenic for Benign recurrent intrahepatic cholestasis type 1. Last evaluated: 2024-01-22. Review status: criteria provided, single submitter. Criteria: ACMG Guidelines, 2015. Collection method: clinical testing. Allele origin: unknown.

GeneDx
Classification: Likely pathogenic. Last evaluated: 2023-05-16. Review status: criteria provided, single submitter. Criteria: GeneDx Variant Classification Process June 2021. Collection method: clinical testing. Allele origin: germline. Affected: yes.
Comment: Observed with a second ATP8B1 variant in patients with cholestasis, but it is not known whether the variants occurred on the same (in cis) or on different (in trans) chromosomes (Bull et al., 1998; Klomp et al., 2004; Hertel et al., 2021; van Wessel et al., 2021); Published functional studies demonstrate that this variant causes skipping of exon 18 (Bull et al., 1998; van der Woerd et al., 2015); This variant is associated with the following publications: (PMID: 25525159, 25421123, 9500542, 34016879, 15239083, 15888793, 33666275, 34283821)

Blueprint Genetics
Classification: Pathogenic for ATP8B1-related disorders. Last evaluated: 2022-11-18. Review status: criteria provided, single submitter. Criteria: ACMG Guidelines, 2015. Collection method: clinical testing. Allele origin: germline. Affected: yes. Observed: 2 variant alleles.

Eurofins Ntd Llc (ga)
Classification: Pathogenic. Last evaluated: 2018-07-12. Review status: criteria provided, single submitter. Criteria: EGL ClinVar v180209 classification definitions. Collection method: clinical testing. Allele origin: germline. Observed: 1 variant allele, 1 heterozygote.

OMIM
Classification: Pathogenic for CHOLESTASIS, PROGRESSIVE FAMILIAL INTRAHEPATIC, 1. Last evaluated: 1998-03-01. Review status: no assertion criteria provided. Collection method: literature only. Allele origin: germline. Not counted in ClinVar's aggregate classification.

Literature cited by the submitters: PubMed 39768432 (cited by Genomenon, Inc); PubMed 37361697 (cited by Genomenon, Inc); PubMed 34283821 (cited by Genomenon, Inc and Labcorp Genetics (formerly Invitae), Labcorp); PubMed 31160058 (cited by Genomenon, Inc); PubMed 29654655 (cited by Genomenon, Inc); PubMed 28045770 (cited by Genomenon, Inc); PubMed 9500542 (cited by 3 submitters); PubMed 15239083 (cited by Genomenon, Inc); PubMed 20232290 (cited by Genomenon, Inc); PubMed 26678486 (cited by Genomenon, Inc and Labcorp Genetics (formerly Invitae), Labcorp); PubMed 25421123 (cited by Genomenon, Inc and Labcorp Genetics (formerly Invitae), Labcorp); PubMed 33666275 (cited by Labcorp Genetics (formerly Invitae), Labcorp); PubMed 34016879 (cited by Labcorp Genetics (formerly Invitae), Labcorp).

NM_001374385.1(ATP8B1):c.2097+2T>C

Gene: ATP8B1 (ATPase phospholipid transporting 8B1; minus strand). Cytogenetic location: 18q21.31.
Variant type: single nucleotide variant.
Coding change: c.2097+2T>C on transcript NM_001374385.1 (MANE Select); the canonical splice donor site of the intron after coding-DNA position 2097, T replaced by C.
Molecular consequence: splice donor variant.
Genome position (GRCh38, 1-based): chr18:57,669,316, A>G on the plus strand (T>C on the coding strand, the complement: ATP8B1 is on the minus strand). VCF-style: chr18-57669316-A-G. GRCh37 (hg19) VCF-style: chr18-55336548-A-G.
Other names: c.2097+2T>C (NM_005603.6, NM_005603.4); c.1947+2T>C (NM_001374386.1).
Identifiers: ClinVar variation 7265 (VCV000007265.13), dbSNP rs387906381, ClinGen allele CA254133.